The following is an entry in ClinVar:

NM_004655.4(AXIN2):c.2102G>C (p.Cys701Ser)

Gene: AXIN2 (axin 2; minus strand). Cytogenetic location: 17q24.1.
Variant type: single nucleotide variant.
Coding change: c.2102G>C on transcript NM_004655.4 (MANE Select); coding-DNA position 2102, G replaced by C.
Protein change: p.Cys701Ser; replaces cysteine 701 with serine.
Molecular consequence: missense variant.
Genome position (GRCh38, 1-based): chr17:65,536,359, C>G on the plus strand (G>C on the coding strand, the complement: AXIN2 is on the minus strand). VCF-style: chr17-65536359-C-G. GRCh37 (hg19) VCF-style: chr17-63532477-C-G.
Other names: c.2102G>C (LRG_296t1); c.1907G>C, p.Cys636Ser (NM_001363813.1); short protein forms C701S, C636S.
Identifiers: ClinVar variation 408771 (VCV000408771.14), dbSNP rs1060502130, ClinGen allele CA16615873.

ClinVar aggregate classification (germline): Uncertain significance. Review status: criteria provided, multiple submitters, no conflicts (2 of 4 stars). 4 submissions from 4 submitters: Uncertain significance (4). Last evaluated 2023-10-24.

Conditions:
Colorectal cancer. Also called: Colorectal cancer, somatic; Malignant Colorectal Neoplasm. Identifiers: MedGen C0346629, MONDO:0005575, OMIM 114500.
Hereditary cancer-predisposing syndrome. Also called: Hereditary Cancer Syndrome; Hereditary neoplastic syndrome; Neoplastic Syndromes, Hereditary; Tumor predisposition. Identifiers: Orphanet 140162, MedGen C0027672, MeSH D009386, MONDO:0015356.
Oligodontia-cancer predisposition syndrome. Also called: TOOTH AGENESIS-COLORECTAL CANCER SYNDROME. Identifiers: Orphanet 300576, MedGen C1837750, MONDO:0012075, OMIM 608615. Disease mechanism: loss of function.

Submissions (4):

Baylor Genetics
Classification: Uncertain significance for Colorectal cancer. Last evaluated: 2023-10-24. Review status: criteria provided, single submitter. Criteria: ACMG Guidelines, 2015. Collection method: clinical testing. Allele origin: unknown.

Quest Diagnostics Nichols Institute San Juan Capistrano
Classification: Uncertain significance. Last evaluated: 2022-11-16. Review status: criteria provided, single submitter. Criteria: Quest Diagnostics criteria. Collection method: clinical testing. Allele origin: unknown.
Comment: To the best of our knowledge, the variant has not been reported in the published literature. It also has not been reported in large, multi-ethnic general populations. Analysis of this variant using bioinformatics tools for the prediction of the effect of amino acid changes on protein structure and function yielded conflicting predictions that this variant is benign or damaging. Based on the available information, we are unable to determine the clinical significance of this variant.

Ambry Genetics
Classification: Uncertain significance for Hereditary cancer-predisposing syndrome. Last evaluated: 2021-03-18. Review status: criteria provided, single submitter. Criteria: Ambry Variant Classification Scheme 2023. Collection method: clinical testing. Allele origin: germline.
Comment: The p.C701S variant (also known as c.2102G>C), located in coding exon 7 of the AXIN2 gene, results from a G to C substitution at nucleotide position 2102. The cysteine at codon 701 is replaced by serine, an amino acid with dissimilar properties. This amino acid position is well conserved in available vertebrate species. In addition, this alteration is predicted to be deleterious by in silico analysis. Since supporting evidence is limited at this time, the clinical significance of this alteration remains unclear.

Labcorp Genetics (formerly Invitae), Labcorp
Classification: Uncertain significance for Oligodontia-cancer predisposition syndrome. Last evaluated: 2019-12-07. Review status: criteria provided, single submitter. Criteria: Invitae Variant Classification Sherloc (09022015). Collection method: clinical testing. Allele origin: germline.
Comment: Algorithms developed to predict the effect of missense changes on protein structure and function do not agree on the potential impact of this missense change (SIFT: "Tolerated"; PolyPhen-2: "Probably Damaging"; Align-GVGD: "Class C0"). This variant is not present in population databases (ExAC no frequency) and has not been reported in the literature in individuals with an AXIN2-related disease. This sequence change replaces cysteine with serine at codon 701 of the AXIN2 protein (p.Cys701Ser). The cysteine residue is moderately conserved and there is a moderate physicochemical difference between cysteine and serine. In summary, this variant is a novel missense change with uncertain impact on protein function. It has been classified as a Variant of Uncertain Significance.